The following is an entry in ClinVar:

ClinVar aggregate classification (germline): Pathogenic (1 of 4 stars; one submission).

Submission:

GeneDx
Classification: Pathogenic. Last evaluated: 2023-09-14. Review status: criteria provided, single submitter. Criteria: GeneDx Variant Classification Process June 2021. Collection method: clinical testing. Allele origin: germline. Affected: yes.
Comment: Nonsense variant predicted to result in protein truncation or nonsense mediated decay in a gene for which loss of function is a known mechanism of disease; Located in a region of TTN in which the majority of pathogenic variants have been reported in association with autosomal recessive titinopathies (Fernandez-Marmiesse et al., 2017; Chervinsky et al., 2018; Bryen, et al., 2020; Savarese et al., 2020); Not observed at significant frequency in large population cohorts (gnomAD); Has not been previously published as pathogenic or benign to our knowledge; This variant is associated with the following publications: (PMID: 28040389, 29575618, 31660661, 32778822)

NM_001267550.2(TTN):c.40255G>T (p.Glu13419Ter)

Gene: TTN (titin; minus strand). Cytogenetic location: 2q31.2.
Variant type: single nucleotide variant.
Coding change: c.40255G>T on transcript NM_001267550.2 (MANE Select); coding-DNA position 40255, G replaced by T.
Protein change: p.Glu13419Ter; replaces glutamic acid 13419 with a stop codon.
Molecular consequence: nonsense. On other transcripts: intron variant (5).
Genome position (GRCh38, 1-based): chr2:178,646,527, C>A on the plus strand (G>T on the coding strand, the complement: TTN is on the minus strand). VCF-style: chr2-178646527-C-A. GRCh37 (hg19) VCF-style: chr2-179511254-C-A.
Other names: c.13283-4210G>T (NM_003319.4); c.13859-4210G>T (NM_133437.4); c.13658-4210G>T (NM_133432.3); c.32594-497G>T (NM_133378.4); c.35375-497G>T (NM_001256850.1); short protein forms E13419*.
Identifiers: ClinVar variation 3340760 (VCV003340760.1).
Genomic context (GRCh38, chr2:178,646,527, plus strand): 5'-GTCCACTGGATTGAATACCTTTTACTGGTATTTCTTCAGGCTGTGGTTCAGGTTCGGGCT[C>A]TTCAGGTTTAATATACTTTTCAATTTCACGTTCTTTAAAGAATGTTGACAAAGGAGATGA-3'